The following is an entry in ClinVar:

ClinVar aggregate classification (germline): Uncertain significance (1 of 4 stars; one submission).

Conditions:
Hereditary cancer-predisposing syndrome. Also called: Neoplastic Syndromes, Hereditary; Tumor predisposition; Hereditary Cancer Syndrome; Hereditary neoplastic syndrome. Identifiers: Orphanet 140162, MedGen C0027672, MeSH D009386, MONDO:0015356.

Submission:

Ambry Genetics
Classification: Uncertain significance for Hereditary cancer-predisposing syndrome. Last evaluated: 2025-09-26. Review status: criteria provided, single submitter. Criteria: Ambry Variant Classification Scheme 2023. Collection method: clinical testing. Allele origin: germline.
Comment: The p.P254Q variant (also known as c.761C>A), located in coding exon 8 of the POLE gene, results from a C to A substitution at nucleotide position 761. The proline at codon 254 is replaced by glutamine, an amino acid with similar properties. This amino acid position is conserved. In addition, the in silico prediction for this alteration is inconclusive. Based on the available evidence, the clinical significance of this variant remains unclear.

NM_006231.4(POLE):c.761C>A (p.Pro254Gln)

Gene: POLE (DNA polymerase epsilon, catalytic subunit; minus strand). Cytogenetic location: 12q24.33.
Variant type: single nucleotide variant.
Coding change: c.761C>A on transcript NM_006231.4 (MANE Select); coding-DNA position 761, C replaced by A.
Protein change: p.Pro254Gln; replaces proline 254 with glutamine.
Molecular consequence: missense variant.
Genome position (GRCh38, 1-based): chr12:132,677,403, G>T on the plus strand (C>A on the coding strand, the complement: POLE is on the minus strand). VCF-style: chr12-132677403-G-T. GRCh37 (hg19) VCF-style: chr12-133253989-G-T.
Other names: short protein forms P254Q.
Identifiers: ClinVar variation 4671620 (VCV004671620.1).